The following is an entry in ClinVar:

NM_001282531.3(ADNP):c.791G>A (p.Arg264Gln)

Gene: ADNP (activity dependent neuroprotector homeobox; minus strand). Cytogenetic location: 20q13.13.
Variant type: single nucleotide variant.
Coding change: c.791G>A on transcript NM_001282531.3 (MANE Select); coding-DNA position 791, G replaced by A.
Protein change: p.Arg264Gln; replaces arginine 264 with glutamine.
Molecular consequence: missense variant.
Genome position (GRCh38, 1-based): chr20:50,893,923, C>T on the plus strand (G>A on the coding strand, the complement: ADNP is on the minus strand). VCF-style: chr20-50893923-C-T. GRCh37 (hg19) VCF-style: chr20-49510460-C-T.
Other names: c.791G>A (NM_015339.2); c.791G>A, p.Arg264Gln (NM_001282532.2, NM_001347511.2, NM_015339.5 and 1 more transcripts); short protein forms R264Q.
Identifiers: ClinVar variation 3376454 (VCV003376454.2).

ClinVar aggregate classification (germline): Uncertain significance. Review status: criteria provided, multiple submitters, no conflicts (2 of 4 stars). 2 submissions from 2 submitters: Uncertain significance (2). Last evaluated 2025-06-18.

Conditions:
Inborn genetic diseases. Identifiers: MedGen C0950123, MeSH D030342.
ADNP-related multiple congenital anomalies - intellectual disability - autism spectrum disorder. Also called: ADNP-Related Helsmoortel-Van der Aa Syndrome; Helsmoortel-Van der Aa Syndrome. Identifiers: Orphanet 404448, MedGen C4014538, MONDO:0014379, OMIM 615873. Disease mechanism: loss of function.

gnomAD v4.1: 7 of 1,614,086 alleles (0.00043%); highest among the groups gnomAD compares: South Asian, 0.0011%; no homozygotes.

Submissions (2):

Ambry Genetics
Classification: Uncertain significance for Inborn genetic diseases. Last evaluated: 2025-06-18. Review status: criteria provided, single submitter. Criteria: Ambry Variant Classification Scheme 2023. Collection method: clinical testing. Allele origin: germline.

Pittsburgh Clinical Genomics Laboratory, University of Pittsburgh Medical Center
Classification: Uncertain significance for ADNP-related multiple congenital anomalies - intellectual disability - autism spectrum disorder. Last evaluated: 2024-05-10. Review status: criteria provided, single submitter. Criteria: ACMG Guidelines, 2015. Collection method: clinical testing. Allele origin: germline. Inheritance: Autosomal dominant inheritance. Affected: yes.
Comment: This sequence variant is a single nucleotide substitution (G>A) at position 791 of the coding sequence of the ADNP gene that results in an arginine to glutamine amino acid change at residue 264 of the activity dependent neuroprotector homeobox protein. This variant is absent from ClinVar and medical publications. This variant is present in 7/1614086 alleles (0.0004337%) in gnomAD v4.1.0 population database. Multiple bioinformatic tools predict that this arginine to glutamine amino acid change would be damaging, and the Arg264 residue at this position is highly conserved across the vertebrate species examined. Studies examining the functional consequence of this variant have not been performed, to our knowledge. At this time, there is insufficient evidence to determine if this variant is pathogenic or benign. Therefore, we consider this a variant of uncertain significance. ACMG Criteria: BP1, PM2, PP3